The following is an entry in ClinVar:

NM_001244008.2(KIF1A):c.608+3G>A

Gene: KIF1A (kinesin family member 1A; minus strand). Cytogenetic location: 2q37.3.
Variant type: single nucleotide variant.
Coding change: c.608+3G>A on transcript NM_001244008.2 (MANE Select); 3 bases into the intron after coding-DNA position 608, G replaced by A.
Molecular consequence: intron variant.
Genome position (GRCh38, 1-based): chr2:240,786,332, C>T on the plus strand (G>A on the coding strand, the complement: KIF1A is on the minus strand). VCF-style: chr2-240786332-C-T. GRCh37 (hg19) VCF-style: chr2-241725749-C-T.
Other names: c.608+3G>A (NM_001379653.1, NM_001379650.1, NM_001379645.1 and 20 more transcripts).
Identifiers: ClinVar variation 565820 (VCV000565820.15), dbSNP rs367999658, ClinGen allele CA2208747.

ClinVar aggregate classification (germline): Uncertain significance. Review status: criteria provided, multiple submitters, no conflicts (2 of 4 stars). 3 submissions from 3 submitters: Uncertain significance (3). Last evaluated 2025-09-08.

Conditions:
Neuropathy, hereditary sensory, type 2C. Also called: KIF1A-Related HSAN2 (HSAN2C); Hereditary sensory and autonomic neuropathy type IIC. Identifiers: Orphanet 970, MedGen C3280168, MONDO:0013634, OMIM 614213.
Intellectual disability, autosomal dominant 9 (NESCAVS). Also called: NESCAV SYNDROME; KIF1A-Related Neurodevelopmental Disorder. Identifiers: Orphanet 662367, MedGen C5393830, MONDO:0013656, OMIM 614255.
Hereditary spastic paraplegia 30. Identifiers: Orphanet 101010, MedGen C5235139, MONDO:0012476.
Inborn genetic diseases. Identifiers: MedGen C0950123, MeSH D030342.

Allele frequency attached by ClinVar (database versions not stated): gnomAD exomes 0.00001 and 0.00002; TOPMed 0.00001; gnomAD 0.00002; ExAC 0.00005; ESP Exome Variant Server 0.00008.
gnomAD v4.1: 13 of 1,613,112 alleles (0.00081%); highest among the groups gnomAD compares: Admixed American, 0.0033%; no homozygotes.

Submissions (3):

Labcorp Genetics (formerly Invitae), Labcorp
Classification: Uncertain significance for Hereditary spastic paraplegia 30; Neuropathy, hereditary sensory, type 2C; Intellectual disability, autosomal dominant 9. Last evaluated: 2025-09-08. Review status: criteria provided, single submitter. Criteria: Invitae Variant Classification Sherloc (09022015). Collection method: clinical testing. Allele origin: germline.
Comment: This sequence change falls in intron 5 of the KIF1A gene. It does not directly change the encoded amino acid sequence of the KIF1A protein. It affects a nucleotide within the consensus splice site. This variant is present in population databases (rs367999658, gnomAD 0.005%). This variant has been observed in individual(s) with clinical features of KIF1A-related conditions (internal data). ClinVar contains an entry for this variant (Variation ID: 565820). Variants that disrupt the consensus splice site are a relatively common cause of aberrant splicing (PMID: 17576681, 9536098). Algorithms developed to predict the effect of sequence changes on RNA splicing suggest that this variant is not likely to affect RNA splicing. In summary, the available evidence is currently insufficient to determine the role of this variant in disease. Therefore, it has been classified as a Variant of Uncertain Significance.

Ambry Genetics
Classification: Uncertain significance for Inborn genetic diseases. Last evaluated: 2021-02-10. Review status: criteria provided, single submitter. Criteria: Ambry Variant Classification Scheme 2023. Collection method: clinical testing. Allele origin: germline.
Comment: The c.608+3G>A intronic variant results from a G to A substitution 3 nucleotides after coding exon 5 in the KIF1A gene. This nucleotide position is not well conserved in available vertebrate species. In silico splice site analysis predicts that this alteration will not have any significant effect on splicing. Since supporting evidence is limited at this time, the clinical significance of this alteration remains unclear.

Mayo Clinic Laboratories, Mayo Clinic
Classification: Uncertain significance. Last evaluated: 2019-11-24. Review status: criteria provided, single submitter. Criteria: ACMG Guidelines, 2015. Collection method: clinical testing. Allele origin: germline. Observed: 1 variant allele.

Literature cited by the submitters: PubMed 17576681 (cited by Labcorp Genetics (formerly Invitae), Labcorp); PubMed 9536098 (cited by Labcorp Genetics (formerly Invitae), Labcorp).